The following is an entry in ClinVar:

NM_000093.5(COL5A1):c.3528+19G>T

Gene: COL5A1 (collagen type V alpha 1 chain; plus strand). Cytogenetic location: 9q34.3.
Variant type: single nucleotide variant.
Coding change: c.3528+19G>T on transcript NM_000093.5 (MANE Select); 19 bases into the intron after coding-DNA position 3528, G replaced by T.
Molecular consequence: intron variant.
Genome position (GRCh38, 1-based): chr9:134,810,327, G>T. VCF-style: chr9-134810327-G-T. GRCh37 (hg19) VCF-style: chr9-137702173-G-T.
Other names: c.3528+19G>T (NM_001278074.1).
Identifiers: ClinVar variation 390929 (VCV000390929.14), dbSNP rs200672136, ClinGen allele CA5319894.
Genomic context (GRCh38, chr9:134,810,327, plus strand): 5'-GAGCCGGGGCAGAAAGGAAGCAAGGGGGACAAAGGAGAACAGGTAAGTATTGGCACGGGG[G>T]CGCGCGGCAGCCCCCAGGTCCCGGGGGGCCTCGTCGCAGGCTGTAGGCCGTGTGCCATGC-3'

ClinVar aggregate classification (germline): Benign/Likely benign. Review status: criteria provided, multiple submitters, no conflicts (2 of 4 stars). 7 submissions from 6 submitters: Benign (4); Likely benign (3). Last evaluated 2026-01-27.

Conditions:
Fibromuscular dysplasia, multifocal. Identifiers: MedGen C5543412, MONDO:0859151, OMIM 619329.
Ehlers-Danlos syndrome, classic type, 1 (EDSCL1). Also called: EHLERS-DANLOS SYNDROME, GRAVIS TYPE; EHLERS-DANLOS SYNDROME, SEVERE CLASSIC TYPE; Ehlers-Danlos syndrome, type 1; Ehlers-Danlos Syndrome, Classic Type, COL5A1-Related; EDS I. Identifiers: MedGen C0268335, MONDO:0019567, OMIM 130000.

Allele frequency attached by ClinVar (database versions not stated): ESP Exome Variant Server 0.00008; gnomAD 0.00011 and 0.00014; TOPMed 0.00012; ExAC 0.00032; 1000 Genomes Project 0.00060; 1000 Genomes Project 30x 0.00062.
gnomAD v4.1: 179 of 1,612,438 alleles (0.011%); highest among the groups gnomAD compares: East Asian, 0.13%; 1 homozygote.

Submissions (7):

Labcorp Genetics (formerly Invitae), Labcorp
Classification: Benign for Ehlers-Danlos syndrome, classic type, 1. Last evaluated: 2026-01-27. Review status: criteria provided, single submitter. Criteria: Invitae Variant Classification Sherloc (09022015). Collection method: clinical testing. Allele origin: germline.

Women's Health and Genetics/Laboratory Corporation of America, LabCorp
Classification: Benign. Last evaluated: 2024-11-25. Review status: criteria provided, single submitter. Criteria: LabCorp Variant Classification Summary - May 2015. Collection method: clinical testing. Allele origin: germline.

Blueprint Genetics
Classification: Likely benign. Last evaluated: 2024-11-13. Review status: criteria provided, single submitter. Criteria: ACMG Guidelines, 2015. Collection method: clinical testing. Allele origin: germline.

Genome-Nilou Lab
Classification: Benign for Ehlers-Danlos syndrome, classic type, 1. Last evaluated: 2022-03-15. Review status: criteria provided, single submitter. Criteria: ACMG Guidelines, 2015. Collection method: clinical testing. Allele origin: germline. Affected: no.

Genome-Nilou Lab
Classification: Benign for Fibromuscular dysplasia, multifocal. Last evaluated: 2022-03-15. Review status: criteria provided, single submitter. Criteria: ACMG Guidelines, 2015. Collection method: clinical testing. Allele origin: germline. Affected: no.

GeneDx
Classification: Likely benign. Last evaluated: 2017-12-06. Review status: criteria provided, single submitter. Criteria: GeneDx Variant Classification (06012015). Collection method: clinical testing. Allele origin: germline. Affected: yes.
Comment: This variant is considered likely benign or benign based on one or more of the following criteria: it is a conservative change, it occurs at a poorly conserved position in the protein, it is predicted to be benign by multiple in silico algorithms, and/or has population frequency not consistent with disease.

Breakthrough Genomics
Classification: Likely benign. Review status: criteria provided, single submitter. Criteria: ACMG Guidelines, 2015. Collection method: not provided. Allele origin: germline. Inheritance: Autosomal dominant inheritance. Affected: yes.